The following is an entry in ClinVar:

ClinVar aggregate classification (germline): Conflicting classifications of pathogenicity. Review status: criteria provided, conflicting classifications (1 of 4 stars). 4 submissions from 4 submitters: Likely pathogenic (2); Uncertain significance (2). Last evaluated 2025-07-17.

Conditions:
Citrullinemia, type II, adult-onset (CDAA). Also called: CITRIN DEFICIENCY, ADOLESCENT OR ADULT ONSET. Identifiers: Orphanet 247585, MedGen CN295299, MONDO:0011326, OMIM 603471.

Submissions (4):

Women's Health and Genetics/Laboratory Corporation of America, LabCorp
Classification: Uncertain significance. Last evaluated: 2025-07-17. Review status: criteria provided, single submitter. Criteria: LabCorp Variant Classification Summary - May 2015. Collection method: clinical testing. Allele origin: germline.
Comment: Variant summary: SLC25A13 c.1177G>A (p.Gly393Ser) results in a non-conservative amino acid change in the encoded protein sequence. Algorithms developed to predict the effect of missense changes on protein structure and function all suggest that this variant is likely to be disruptive. Computational tools predict a significant impact on normal splicing: Two predict the variant weakens a canonical 5' donor site and one predicts the variant abolishes this site. However, these predictions have yet to be confirmed by functional studies. The variant was absent in 251386 control chromosomes (gnomAD). c.1177G>A has been observed in individuals affected with Citrullinemia Type II (e.g., Ko_2007, Lin_2020, Zhang_2022). These data indicate that the variant may be associated with disease. To our knowledge, no experimental evidence demonstrating an impact on protein function has been reported. The following publications have been ascertained in the context of this evaluation (PMID: 17982687, 18392553, 39799340, 36246604, 31845334). ClinVar contains an entry for this variant (Variation ID: 592601). Based on the evidence outlined above, the variant was classified as VUS-possibly pathogenic.

GeneDx
Classification: Likely pathogenic. Last evaluated: 2025-01-30. Review status: criteria provided, single submitter. Criteria: GeneDx Variant Classification Process June 2021. Collection method: clinical testing. Allele origin: germline. Affected: yes.
Comment: Alters the last nucleotide of the exon and is predicted to damage the splice donor site but the effect on protein function is unclear; Published functional studies suggest a damaging effect: reduction in residual transport activity (PMID: 39419476); In silico analysis supports that this missense variant has a deleterious effect on protein structure/function; Not observed at significant frequency in large population cohorts (gnomAD); This variant is associated with the following publications: (PMID: 36246604, 17982687, 39419476, 31845334, 18406340, 19861126, 36122779, 18392553)

Baylor Genetics
Classification: Likely pathogenic for Citrullinemia, type II, adult-onset. Last evaluated: 2023-08-27. Review status: criteria provided, single submitter. Criteria: ACMG Guidelines, 2015. Collection method: clinical testing. Allele origin: unknown.

Eurofins Ntd Llc (ga)
Classification: Uncertain significance. Last evaluated: 2018-08-28. Review status: criteria provided, single submitter. Criteria: EGL ClinVar v180209 classification definitions. Collection method: clinical testing. Allele origin: germline. Observed: 1 variant allele, 1 heterozygote.

Literature cited by the submitters: PubMed 18392553 (cited by Women's Health and Genetics/Laboratory Corporation of America, LabCorp); PubMed 36246604 (cited by Women's Health and Genetics/Laboratory Corporation of America, LabCorp); PubMed 31845334 (cited by Women's Health and Genetics/Laboratory Corporation of America, LabCorp); PubMed 17982687 (cited by Women's Health and Genetics/Laboratory Corporation of America, LabCorp); PubMed 39799340 (cited by Women's Health and Genetics/Laboratory Corporation of America, LabCorp).

NM_014251.3(SLC25A13):c.1177G>A (p.Gly393Ser)

Gene: SLC25A13 (solute carrier family 25 member 13; minus strand). Cytogenetic location: 7q21.3.
Variant type: single nucleotide variant.
Coding change: c.1177G>A on transcript NM_014251.3 (MANE Select); coding-DNA position 1177, G replaced by A.
Protein change: p.Gly393Ser; replaces glycine 393 with serine.
Molecular consequence: missense variant. On other transcripts: non-coding transcript variant (1).
Genome position (GRCh38, 1-based): chr7:96,184,277, C>T on the plus strand (G>A on the coding strand, the complement: SLC25A13 is on the minus strand). VCF-style: chr7-96184277-C-T. GRCh37 (hg19) VCF-style: chr7-95813589-C-T.
Other names: c.1180G>A, p.Gly394Ser (NM_001160210.2); c.1177G>A (NM_014251.2); short protein forms G393S, G394S.
Identifiers: ClinVar variation 592601 (VCV000592601.8), dbSNP rs1562823061, ClinGen allele CA368260047.
Genomic context (GRCh38, chr7:96,184,277, plus strand): 5'-TGAGAAACCAAACCTTTGAGTGTTATTTCACCTAACAGGTATTGAGCATGTGGCACTAAC[C>T]TCTATACAGTCCAAAGAAGCCTTCATAGCGTAGCACTTTCTTAAAACAGTCAAAGCTGTT-3'
Protein context (NP_055066.1, residues 383-403): RYEGFFGLYR[Gly393Ser]LLPQLLGVAP